The following is an entry in ClinVar:

ClinVar aggregate classification (germline): Uncertain significance. Review status: criteria provided, multiple submitters, no conflicts (2 of 4 stars). 2 submissions from 2 submitters: Uncertain significance (2). Last evaluated 2023-12-22.

Submissions (2):

Labcorp Genetics (formerly Invitae), Labcorp
Classification: Uncertain significance. Last evaluated: 2023-12-22. Review status: criteria provided, single submitter. Criteria: Invitae Variant Classification Sherloc (09022015). Collection method: clinical testing. Allele origin: germline.
Comment: This variant, c.556_558del, results in the deletion of 1 amino acid(s) of the LARP7 protein (p.Leu186del), but otherwise preserves the integrity of the reading frame. This variant is present in population databases (rs764991008, gnomAD 0.01%). This variant has not been reported in the literature in individuals affected with LARP7-related conditions. ClinVar contains an entry for this variant (Variation ID: 809653). Experimental studies and prediction algorithms are not available or were not evaluated, and the functional significance of this variant is currently unknown. In summary, the available evidence is currently insufficient to determine the role of this variant in disease. Therefore, it has been classified as a Variant of Uncertain Significance.

CeGaT Center for Human Genetics Tuebingen
Classification: Uncertain significance. Last evaluated: 2018-11-01. Review status: criteria provided, single submitter. Criteria: CeGaT Center For Human Genetics Tuebingen Variant Classification Criteria Version 2. Collection method: clinical testing. Allele origin: germline. Affected: yes. Observed: 1 variant allele.

NM_016648.4(LARP7):c.556_558del (p.Leu186del)

Genes: LARP7 (La ribonucleoprotein 7, transcriptional regulator; plus strand), MIR302CHG (miR-302/367 cluster host gene; minus strand). Cytogenetic location: 4q25.
Variant type: Deletion.
Coding change: c.556_558del on transcript NM_016648.4 (MANE Select); coding-DNA positions 556 to 558, 3 bases deleted (CTT; older notation c.556_558delCTT).
Protein change: p.Leu186del; deletes leucine 186.
Molecular consequence: inframe deletion.
Genome position (GRCh38, 1-based): chr4:112,647,037-112,647,039, CTT deleted; deleting any 3 consecutive bases within chr4:112,647,035-112,647,039 gives the same sequence; the c. name uses the placement nearest the transcript's 3' end. VCF-style (leftmost placement, unchanged base first): chr4-112647034-TTTC-T. GRCh37 (hg19) VCF-style: chr4-113568190-TTTC-T.
Other names: c.556_558del, p.Leu186del (NM_001267039.4, NM_001370974.1, NM_001370975.1 and 6 more transcripts); c.319_321del, p.Leu107del (NM_001370981.1, NM_001370982.1); short protein forms L107del, L186del.
Identifiers: ClinVar variation 809653 (VCV000809653.46), dbSNP rs764991008, ClinGen allele CA3049164.
Genomic context (GRCh38, chr4:112,647,034, plus strand): 5'-AAAAAAAAAAGAAAGAAAAGAAAACAAGTATTAAAATAGTAACTTTTGCAATCATTTCAG[TTTC>T]TTAACAACCCACCAGAAGAAGCACCAAGAAAACCTGGCATATTTCCTAAAACAGTGAAAA-3'